The following is an entry in ClinVar:

NM_004525.3(LRP2):c.2917G>A (p.Ala973Thr)

Gene: LRP2 (LDL receptor related protein 2; minus strand). Cytogenetic location: 2q31.1.
Variant type: single nucleotide variant.
Coding change: c.2917G>A on transcript NM_004525.3 (MANE Select); coding-DNA position 2917, G replaced by A.
Protein change: p.Ala973Thr; replaces alanine 973 with threonine.
Molecular consequence: missense variant.
Genome position (GRCh38, 1-based): chr2:169,246,978, C>T on the plus strand (G>A on the coding strand, the complement: LRP2 is on the minus strand). VCF-style: chr2-169246978-C-T. GRCh37 (hg19) VCF-style: chr2-170103488-C-T.
Other names: c.2917G>A (NM_004525.2); short protein forms A973T.
Identifiers: ClinVar variation 2049409 (VCV002049409.2), dbSNP rs752290503, ClinGen allele CA1955161.

ClinVar aggregate classification (germline): Uncertain significance. Review status: criteria provided, multiple submitters, no conflicts (2 of 4 stars). 2 submissions from 2 submitters: Uncertain significance (2). Last evaluated 2025-05-03.

Conditions:
LRP2-related disorder. Also called: LRP2-related condition.

Allele frequency attached by ClinVar (database versions not stated): ExAC 0.00002.
gnomAD v4.1: 24 of 1,613,884 alleles (0.0015%); highest among the groups gnomAD compares: East Asian, 0.013%; no homozygotes.

Submissions (2):

PreventionGenetics, part of Exact Sciences
Classification: Uncertain significance for LRP2-related condition. Last evaluated: 2025-05-03. Review status: criteria provided, single submitter. Criteria: ACMG Guidelines, 2015. Collection method: clinical testing. Allele origin: germline.
Comment: The LRP2 c.2917G>A variant is predicted to result in the amino acid substitution p.Ala973Thr. To our knowledge, this variant has not been reported in the literature. This variant is reported in 0.0033% of alleles in individuals of South Asian descent in gnomAD. At this time, the clinical significance of this variant is uncertain due to the absence of conclusive functional and genetic evidence.

Labcorp Genetics (formerly Invitae), Labcorp
Classification: Uncertain significance. Last evaluated: 2022-03-23. Review status: criteria provided, single submitter. Criteria: Invitae Variant Classification Sherloc (09022015). Collection method: clinical testing. Allele origin: germline.
Comment: This sequence change replaces alanine, which is neutral and non-polar, with threonine, which is neutral and polar, at codon 973 of the LRP2 protein (p.Ala973Thr). This variant is present in population databases (rs752290503, gnomAD 0.003%). This variant has not been reported in the literature in individuals affected with LRP2-related conditions. Advanced modeling of protein sequence and biophysical properties (such as structural, functional, and spatial information, amino acid conservation, physicochemical variation, residue mobility, and thermodynamic stability) performed at Invitae indicates that this missense variant is not expected to disrupt LRP2 protein function. In summary, the available evidence is currently insufficient to determine the role of this variant in disease. Therefore, it has been classified as a Variant of Uncertain Significance.